The following is an entry in ClinVar:

ClinVar aggregate classification (germline): Uncertain significance (1 of 4 stars; one submission).

Conditions:
Dilated cardiomyopathy 1J (CMD1J). Also called: CARDIOMYOPATHY, DILATED, WITH SENSORINEURAL HEARING LOSS, AUTOSOMAL DOMINANT. Identifiers: Orphanet 217622, MedGen C1854368, MONDO:0011541, OMIM 605362.

Allele frequency attached by ClinVar (database versions not stated): gnomAD 0.00001.
gnomAD v4.1: 1 of 1,612,844 alleles (0.000062%); highest among the groups gnomAD compares: Admixed American, 0.0017%; no homozygotes.

Submission:

Labcorp Genetics (formerly Invitae), Labcorp
Classification: Uncertain significance for Dilated cardiomyopathy 1J. Last evaluated: 2022-02-07. Review status: criteria provided, single submitter. Criteria: Invitae Variant Classification Sherloc (09022015). Collection method: clinical testing. Allele origin: germline.
Comment: In summary, the available evidence is currently insufficient to determine the role of this variant in disease. Therefore, it has been classified as a Variant of Uncertain Significance. Algorithms developed to predict the effect of missense changes on protein structure and function (SIFT, PolyPhen-2, Align-GVGD) all suggest that this variant is likely to be tolerated. This variant has not been reported in the literature in individuals affected with EYA4-related conditions. This variant is not present in population databases (gnomAD no frequency). This sequence change replaces asparagine, which is neutral and polar, with lysine, which is basic and polar, at codon 321 of the EYA4 protein (p.Asn321Lys).

NM_004100.5(EYA4):c.963C>A (p.Asn321Lys)

Gene: EYA4 (EYA transcriptional coactivator and phosphatase 4; plus strand). Cytogenetic location: 6q23.2.
Variant type: single nucleotide variant.
Coding change: c.963C>A on transcript NM_004100.5 (MANE Select); coding-DNA position 963, C replaced by A.
Protein change: p.Asn321Lys; replaces asparagine 321 with lysine.
Molecular consequence: missense variant.
Genome position (GRCh38, 1-based): chr6:133,468,724, C>A. VCF-style: chr6-133468724-C-A. GRCh37 (hg19) VCF-style: chr6-133789862-C-A.
Other names: c.801C>A, p.Asn267Lys (NM_001301012.2, NM_001370459.1); c.963C>A, p.Asn321Lys (NM_001301013.2, NM_172105.4); c.894C>A, p.Asn298Lys (NM_001370458.1, NM_172103.4); short protein forms N298K, N321K, N267K.
Identifiers: ClinVar variation 2094472 (VCV002094472.4), dbSNP rs1795063843, ClinGen allele CA365703949.